The following is an entry in ClinVar:

NM_201384.3(PLEC):c.9368G>A (p.Gly3123Asp)

Gene: PLEC (plectin; minus strand). Cytogenetic location: 8q24.3.
Variant type: single nucleotide variant.
Coding change: c.9368G>A on transcript NM_201384.3 (MANE Select); coding-DNA position 9368, G replaced by A.
Protein change: p.Gly3123Asp; replaces glycine 3123 with aspartic acid.
Molecular consequence: missense variant.
Genome position (GRCh38, 1-based): chr8:143,920,453, C>T on the plus strand (G>A on the coding strand, the complement: PLEC is on the minus strand). VCF-style: chr8-143920453-C-T. GRCh37 (hg19) VCF-style: chr8-144994621-C-T.
Other names: c.9449G>A, p.Gly3150Asp (NM_000445.5); c.9326G>A, p.Gly3109Asp (NM_201378.4); c.9302G>A, p.Gly3101Asp (NM_201379.3); c.9779G>A, p.Gly3260Asp (NM_201380.4); c.9272G>A, p.Gly3091Asp (NM_201381.3); c.9368G>A, p.Gly3123Asp (NM_201382.4); c.9380G>A, p.Gly3127Asp (NM_201383.3); short protein forms G3091D, G3101D, G3127D, G3150D, G3260D, G3109D, G3123D.
Identifiers: ClinVar variation 665311 (VCV000665311.9), dbSNP rs1554681842, ClinGen allele CA372510121.

ClinVar aggregate classification (germline): Uncertain significance (1 of 4 stars; one submission).

Conditions:
Epidermolysis bullosa simplex, Ogna type (EBS5A). Also called: Pidermolysis bullosa simplex 5A, Ogna type; EPIDERMOLYSIS BULLOSA SIMPLEX 5A, OGNA TYPE. Identifiers: Orphanet 79401, MedGen C0432317, MONDO:0007555, OMIM 131950.
Autosomal recessive limb-girdle muscular dystrophy type 2Q (LGMDR17). Also called: MUSCULAR DYSTROPHY, LIMB-GIRDLE, AUTOSOMAL RECESSIVE 17. Identifiers: Orphanet 254361, MedGen C3150989, MONDO:0013390, OMIM 613723.
Epidermolysis bullosa simplex with nail dystrophy (EBS5D). Identifiers: MedGen C4225309, MONDO:0014661, OMIM 616487.
Epidermolysis bullosa simplex 5B, with muscular dystrophy (EBS5B). Also called: Epidermolysis bullosa simplex with muscular dystrophy; EPIDERMOLYSIS BULLOSA SIMPLEX AND LIMB-GIRDLE MUSCULAR DYSTROPHY. Identifiers: Orphanet 257, MedGen C2931072, MONDO:0009181, OMIM 226670.
Epidermolysis bullosa simplex 5C, with pyloric atresia (EBS5C). Also called: PLEC-Related Epidermolysis Bullosa with Pyloric Atresia; PLEC1-Related Epidermolysis Bullosa with Pyloric Atresia; Epidermolysis bullosa simplex with pyloric atresia. Identifiers: Orphanet 158684, MedGen C2677349, MONDO:0012807, OMIM 612138.

Allele frequency attached by ClinVar (database versions not stated): gnomAD exomes below 0.00001.
gnomAD v4.1: 5 of 1,601,082 alleles (0.00031%); highest among the groups gnomAD compares: Non-Finnish European, 0.00043%; no homozygotes.

Submission:

Labcorp Genetics (formerly Invitae), Labcorp
Classification: Uncertain significance for Autosomal recessive limb-girdle muscular dystrophy type 2Q; Epidermolysis bullosa simplex, Ogna type; Epidermolysis bullosa simplex with nail dystrophy; Epidermolysis bullosa simplex 5C, with pyloric atresia; Epidermolysis bullosa simplex 5B, with muscular dystrophy. Last evaluated: 2018-11-26. Review status: criteria provided, single submitter. Criteria: Invitae Variant Classification Sherloc (09022015). Collection method: clinical testing. Allele origin: germline.
Comment: This variant is not present in population databases (ExAC no frequency). In summary, the available evidence is currently insufficient to determine the role of this variant in disease. Therefore, it has been classified as a Variant of Uncertain Significance. Algorithms developed to predict the effect of missense changes on protein structure and function are either unavailable or do not agree on the potential impact of this missense change (SIFT: "Tolerated"; PolyPhen-2: "Possibly Damaging"; Align-GVGD: "Class C0"). This variant has not been reported in the literature in individuals with PLEC-related disease. This sequence change replaces glycine with aspartic acid at codon 3150 of the PLEC protein (p.Gly3150Asp). The glycine residue is highly conserved and there is a moderate physicochemical difference between glycine and aspartic acid.